The following is an entry in ClinVar:

NM_181078.3(IL21R):c.508-6T>C

Gene: IL21R (interleukin 21 receptor; plus strand). Cytogenetic location: 16p12.1.
Variant type: single nucleotide variant.
Coding change: c.508-6T>C on transcript NM_181078.3 (MANE Select); 6 bases into the intron before coding-DNA position 508, T replaced by C.
Molecular consequence: intron variant.
Genome position (GRCh38, 1-based): chr16:27,444,536, T>C. VCF-style: chr16-27444536-T-C. GRCh37 (hg19) VCF-style: chr16-27455857-T-C.
Other names: c.574-6T>C (NM_181079.5); c.508-6T>C (NM_021798.4).
Identifiers: ClinVar variation 4977378 (VCV004977378.1).

ClinVar aggregate classification (germline): Likely benign (1 of 4 stars; one submission).

Conditions:
IL21R-related disorder. Also called: IL21R-related condition.

gnomAD v4.1: 20 of 1,479,396 alleles (0.0014%); highest among the groups gnomAD compares: Non-Finnish European, 0.0017%; no homozygotes.

Submission:

PreventionGenetics, part of Exact Sciences
Classification: Likely benign for IL21R-related condition. Last evaluated: 2025-01-23. Review status: criteria provided, single submitter. Criteria: ACMG Guidelines, 2015. Collection method: clinical testing. Allele origin: germline.
Comment: This variant is classified as likely benign based on ACMG/AMP sequence variant interpretation guidelines (Richards et al. 2015 PMID: 25741868, with internal and published modifications).